The following is an entry in ClinVar:

ClinVar aggregate classification (germline): Benign/Likely benign. Review status: criteria provided, multiple submitters, no conflicts (2 of 4 stars). 8 submissions from 8 submitters: Benign (3); Likely benign (5). Last evaluated 2025-12-26.

Conditions:
Hereditary cancer-predisposing syndrome. Also called: Tumor predisposition; Hereditary neoplastic syndrome; Hereditary Cancer Syndrome; Neoplastic Syndromes, Hereditary. Identifiers: Orphanet 140162, MedGen C0027672, MeSH D009386, MONDO:0015356.
Tuberous sclerosis syndrome (TSC). Also called: Tuberous Sclerosis Complex; Tuberous sclerosis. Identifiers: Orphanet 805, MedGen C0041341, MONDO:0001734.
Tuberous sclerosis 2 (TSC2). Identifiers: Orphanet 805, MedGen C1860707, MONDO:0013199, OMIM 613254.

Allele frequency attached by ClinVar (database versions not stated): gnomAD 0.00001; gnomAD exomes 0.00001 and 0.00002; ExAC 0.00003.
gnomAD v4.1: 18 of 1,612,826 alleles (0.0011%); highest among the groups gnomAD compares: South Asian, 0.0044%; no homozygotes.

Submissions (8):

Labcorp Genetics (formerly Invitae), Labcorp
Classification: Benign for Tuberous sclerosis 2. Last evaluated: 2025-12-26. Review status: criteria provided, single submitter. Criteria: Invitae Variant Classification Sherloc (09022015). Collection method: clinical testing. Allele origin: germline.

Myriad Genetics, Inc.
Classification: Benign for Tuberous sclerosis 2. Last evaluated: 2025-05-30. Review status: criteria provided, single submitter. Criteria: Myriad Autosomal Dominant, Autosomal Recessive and X-Linked Classification Criteria (2023). Collection method: clinical testing. Allele origin: unknown.
Comment: This variant is considered benign. This variant is a silent/synonymous amino acid change and it is not expected to impact splicing.

CeGaT Center for Human Genetics Tuebingen
Classification: Likely benign. Last evaluated: 2025-05-01. Review status: criteria provided, single submitter. Criteria: CeGaT Center For Human Genetics Tuebingen Variant Classification Criteria Version 2. Collection method: clinical testing. Allele origin: germline. Affected: yes. Observed: 1 variant allele.
Comment: TSC2: BP4, BP7

All of Us Research Program, National Institutes of Health
Classification: Likely benign for Tuberous sclerosis syndrome. Last evaluated: 2023-05-16. Review status: criteria provided, single submitter. Criteria: ACMG Guidelines, 2015. Collection method: clinical testing. Allele origin: germline. Inheritance: Autosomal dominant inheritance. Observed: 1 variant allele, 1 heterozygote.
Comment: This study involves interpretation of variants in research participants for the purpose of population health screening. Participant phenotype was not available at the time of variant classification. Additional details can be found in publication PMID: 35346344, PMCID: PMC8962531

Color Diagnostics, LLC DBA Color Health
Classification: Likely benign for Tuberous sclerosis syndrome. Last evaluated: 2023-05-10. Review status: criteria provided, single submitter. Criteria: ACMG Guidelines, 2015. Collection method: clinical testing. Allele origin: germline.

Genome-Nilou Lab
Classification: Benign for Tuberous sclerosis 2. Last evaluated: 2021-11-07. Review status: criteria provided, single submitter. Criteria: ACMG Guidelines, 2015. Collection method: clinical testing. Allele origin: germline. Affected: no.

GeneDx
Classification: Likely benign. Last evaluated: 2021-03-29. Review status: criteria provided, single submitter. Criteria: GeneDx Variant Classification Process June 2021. Collection method: clinical testing. Allele origin: germline. Affected: yes.

Ambry Genetics
Classification: Likely benign for Hereditary cancer-predisposing syndrome. Last evaluated: 2017-12-28. Review status: criteria provided, single submitter. Criteria: Ambry Variant Classification Scheme 2023. Collection method: clinical testing. Allele origin: germline.

NM_000548.5(TSC2):c.3648C>T (p.Leu1216=)

Gene: TSC2 (TSC complex subunit 2; plus strand). Cytogenetic location: 16p13.3.
Variant type: single nucleotide variant.
Coding change: c.3648C>T on transcript NM_000548.5 (MANE Select); coding-DNA position 3648, C replaced by T.
Protein change: p.Leu1216=; no amino-acid change (leucine 1216 retained).
Molecular consequence: synonymous variant.
Genome position (GRCh38, 1-based): chr16:2,081,632, C>T. VCF-style: chr16-2081632-C-T. GRCh37 (hg19) VCF-style: chr16-2131633-C-T.
Other names: c.3516C>T, p.Leu1172= (NM_001077183.3, NM_001370404.1); c.3648C>T, p.Leu1216= (NM_001114382.3); c.3408C>T, p.Leu1136= (NM_001318827.2); c.3372C>T, p.Leu1124= (NM_001318829.2); c.2916C>T, p.Leu972= (NM_001318831.2); c.3549C>T, p.Leu1183= (NM_001318832.2); c.3519C>T, p.Leu1173= (NM_001363528.2, NM_001370405.1, NM_021055.3).
Identifiers: ClinVar variation 413622 (VCV000413622.31), dbSNP rs777246414, ClinGen allele CA047960.